The following is an entry in ClinVar:

NM_006892.4(DNMT3B):c.2428G>T (p.Gly810Cys)

Gene: DNMT3B (DNA methyltransferase 3 beta; plus strand). Cytogenetic location: 20q11.21.
Variant type: single nucleotide variant.
Coding change: c.2428G>T on transcript NM_006892.4 (MANE Select); coding-DNA position 2428, G replaced by T.
Protein change: p.Gly810Cys; replaces glycine 810 with cysteine.
Molecular consequence: missense variant.
Genome position (GRCh38, 1-based): chr20:32,807,769, G>T. VCF-style: chr20-32807769-G-T. GRCh37 (hg19) VCF-style: chr20-31395575-G-T.
Other names: c.2053G>T, p.Gly685Cys (NM_001207055.2); c.1951G>T, p.Gly651Cys (NM_001207056.2); c.2309G>T, p.Trp770Leu (NM_001424351.1); c.2302G>T, p.Gly768Cys (NM_001424352.1); c.2249G>T, p.Trp750Leu (NM_001424353.1); c.2242G>T, p.Gly748Cys (NM_001424354.1); c.2239G>T, p.Gly747Cys (NM_001424355.1); c.2183G>T, p.Trp728Leu (NM_001424356.1); and 7 more; short protein forms G651C, G685C, G697C, G705C, G727C, G739C, G747C, G748C.
Identifiers: ClinVar variation 4847680 (VCV004847680.1).
Genomic context (GRCh38, chr20:32,807,769, plus strand): 5'-CAACATCCTGGAGGCACTTCTGACTTGCTGTCTTTTCACTCCGGTACCCCCAGGATCTTT[G>T]GCTTTCCTGTGCACTACACAGACGTGTCCAACATGGGCCGTGGTGCCCGCCAGAAGCTGC-3'
Protein context (NP_008823.1, residues 800-820): LWCTELERIF[Gly810Cys]FPVHYTDVSN

ClinVar aggregate classification (germline): Likely pathogenic (1 of 4 stars; one submission).

Conditions:
Immunodeficiency-centromeric instability-facial anomalies syndrome 1 (ICF1). Identifiers: Orphanet 2268, MedGen C4551557, MONDO:0009454, OMIM 242860.

Submission:

Women's Health and Genetics/Laboratory Corporation of America, LabCorp
Classification: Likely pathogenic for Immunodeficiency-centromeric instability-facial anomalies syndrome 1. Last evaluated: 2026-03-25. Review status: criteria provided, single submitter. Criteria: LabCorp Variant Classification Summary - May 2015. Collection method: clinical testing. Allele origin: germline.
Comment: Variant summary: DNMT3B c.2428G>T (p.Gly810Cys) results in a non-conservative amino acid change in the encoded protein sequence. Algorithms developed to predict the effect of missense changes on protein structure and function are either unavailable or do not agree on the potential impact of this missense change. The variant was absent in 250990 control chromosomes (gnomAD). c.2428G>T has been observed in individuals affected with ICF Syndrome, Type 1 (e.g. Abolhassani_2019, Fang_2022). These data indicate that the variant is likely to be associated with disease. To our knowledge, no experimental evidence demonstrating an impact on protein function has been reported. The following publications have been ascertained in the context of this evaluation (PMID: 29921932, 35084691, 34825286). No submitters have cited clinical-significance assessments for this variant to ClinVar. Based on the evidence outlined above, the variant was classified as likely pathogenic.

Literature cited by the submitters: PubMed 29921932; PubMed 35084691; PubMed 34825286.